The following is an entry in ClinVar:

NM_014908.4(DOLK):c.1569_1570insAATCT (p.Asp524fs)

Gene: DOLK (dolichol kinase; minus strand). Cytogenetic location: 9q34.11.
Variant type: Insertion.
Coding change: c.1569_1570insAATCT on transcript NM_014908.4 (MANE Select); coding-DNA positions 1569 to 1570, AATCT inserted.
Protein change: p.Asp524fs; shifts the reading frame from aspartic acid 524.
Molecular consequence: frameshift variant.
Genome position: GRCh38 VCF-style: chr9-128945734-C-CAGATT. GRCh37 (hg19) VCF-style: chr9-131708013-C-CAGATT.
Other names: short protein forms D524fs.
Identifiers: ClinVar variation 1421244 (VCV001421244.6), dbSNP rs2131126691, ClinGen allele CA2573143929.

ClinVar aggregate classification (germline): Uncertain significance (1 of 4 stars; one submission).

Conditions:
DK1-congenital disorder of glycosylation. Also called: DOLK-congenital disorder of glycosylation; Carbohydrate deficient glycoprotein syndrome type 1m; CDG Im; DK1 DEFICIENCY; DOLICHOL KINASE DEFICIENCY; CONGENITAL DISORDER OF GLYCOSYLATION, TYPE Im. Identifiers: Orphanet 91131, MedGen C1835849, MONDO:0012556, OMIM 610768.

Submission:

Labcorp Genetics (formerly Invitae), Labcorp
Classification: Uncertain significance for DK1-congenital disorder of glycosylation. Last evaluated: 2021-10-15. Review status: criteria provided, single submitter. Criteria: Invitae Variant Classification Sherloc (09022015). Collection method: clinical testing. Allele origin: germline.
Comment: In summary, the available evidence is currently insufficient to determine the role of this variant in disease. Therefore, it has been classified as a Variant of Uncertain Significance. Experimental studies and prediction algorithms are not available or were not evaluated, and the functional significance of this variant is currently unknown. This variant has not been reported in the literature in individuals affected with DOLK-related conditions. This variant is not present in population databases (ExAC no frequency). This sequence change creates a premature translational stop signal (p.Asp524Asnfs*12) in the DOLK gene. While this is not anticipated to result in nonsense mediated decay, it is expected to disrupt the last 15 amino acid(s) of the DOLK protein.